The following is an entry in ClinVar:

NM_001042492.3(NF1):c.4328C>T (p.Ser1443Leu)

Gene: NF1 (neurofibromin 1; plus strand). Cytogenetic location: 17q11.2.
Variant type: single nucleotide variant.
Coding change: c.4328C>T on transcript NM_001042492.3 (MANE Select); coding-DNA position 4328, C replaced by T.
Protein change: p.Ser1443Leu; replaces serine 1443 with leucine.
Molecular consequence: missense variant.
Genome position (GRCh38, 1-based): chr17:31,258,498, C>T. VCF-style: chr17-31258498-C-T. GRCh37 (hg19) VCF-style: chr17-29585516-C-T.
Other names: c.4265C>T, p.Ser1422Leu (NM_000267.4); short protein forms S1422L, S1443L.
Identifiers: ClinVar variation 527535 (VCV000527535.15), dbSNP rs1555618566, ClinGen allele CA398998171.

ClinVar aggregate classification (germline): Conflicting classifications of pathogenicity. Review status: criteria provided, conflicting classifications (1 of 4 stars). 5 submissions from 5 submitters: Pathogenic (2); Likely pathogenic (1); Uncertain significance (2). Last evaluated 2025-03-15.

Conditions:
Cardiovascular phenotype. Identifiers: MedGen CN230736.
Hereditary cancer-predisposing syndrome. Also called: Neoplastic Syndromes, Hereditary; Tumor predisposition; Hereditary neoplastic syndrome; Hereditary Cancer Syndrome. Identifiers: Orphanet 140162, MedGen C0027672, MeSH D009386, MONDO:0015356.
Neurofibromatosis, type 1 (NF1). Also called: VON RECKLINGHAUSEN DISEASE; NEUROFIBROMATOSIS, TYPE I, SOMATIC; Peripheral type neurofibromatosis; Neurofibromatosis, type I. Identifiers: Orphanet 636, MedGen C0027831, MONDO:0018975, OMIM 162200. Disease mechanism: loss of function.

Submissions (5):

Labcorp Genetics (formerly Invitae), Labcorp
Classification: Pathogenic for Neurofibromatosis, type 1. Last evaluated: 2025-03-15. Review status: criteria provided, single submitter. Criteria: Invitae Variant Classification Sherloc (09022015). Collection method: clinical testing. Allele origin: germline.
Comment: This sequence change replaces serine, which is neutral and polar, with leucine, which is neutral and non-polar, at codon 1422 of the NF1 protein (p.Ser1422Leu). This variant is not present in population databases (gnomAD no frequency). This missense change has been observed in individual(s) with neurofibromatosis, type 1 (internal data). In at least one individual the variant was observed to be de novo. ClinVar contains an entry for this variant (Variation ID: 527535). Invitae Evidence Modeling of protein sequence and biophysical properties (such as structural, functional, and spatial information, amino acid conservation, physicochemical variation, residue mobility, and thermodynamic stability) indicates that this missense variant is expected to disrupt NF1 protein function with a positive predictive value of 95%. For these reasons, this variant has been classified as Pathogenic.

Quest Diagnostics Nichols Institute San Juan Capistrano
Classification: Likely pathogenic. Last evaluated: 2024-11-14. Review status: criteria provided, single submitter. Criteria: Quest Diagnostics criteria. Collection method: clinical testing. Allele origin: unknown.
Comment: The NF1 c.4265C>T (p.Ser1422Leu) variant has been detected in individuals with neurofibromatosis 1 (PMID: 36251260 (2022) and Quest internal data). A published in vitro study indicated that this variant results in reduced RAS GAP activity relative to the wildtype without affecting protein expression (PMID: 36251260 (2022) and Douben H et al. (2023) Hindawi Human Mutation. 2023 (Article ID 9628049):1-14)). This variant has also been reported in an individual with breast cancer in the literature (PMID: 35264596 (2022)). This variant has not been reported in large, multi-ethnic general populations (Genome Aggregation Database). Analysis of this variant using bioinformatics tools for the prediction of the effect of amino acid changes on protein structure and function yielded predictions that this variant is damaging. Based on the available information, this variant is classified as likely pathogenic.

GeneDx
Classification: Pathogenic. Last evaluated: 2024-09-10. Review status: criteria provided, single submitter. Criteria: GeneDx Variant Classification Process June 2021. Collection method: clinical testing. Allele origin: germline. Affected: yes.
Comment: Published functional studies demonstrate reduction in RAS GAP activity and protein expression similar to wildtype (Douben H et al. (2023) Hindawi Human Mutation. 2023 (Article ID 9628049):1-14); Not observed at significant frequency in large population cohorts (gnomAD); In silico analysis supports that this missense variant has a deleterious effect on protein structure/function; This variant is associated with the following publications: (PMID: 21520333, 23656349, 36251260, 35264596, Douben2023[Functional study], 25486365, 22807134)

Ambry Genetics
Classification: Uncertain significance for Cardiovascular phenotype; Hereditary cancer-predisposing syndrome. Last evaluated: 2022-03-10. Review status: criteria provided, single submitter. Criteria: Ambry Variant Classification Scheme 2023. Collection method: clinical testing. Allele origin: germline.
Comment: The p.S1422L variant (also known as c.4265C>T), located in coding exon 31 of the NF1 gene, results from a C to T substitution at nucleotide position 4265. The serine at codon 1422 is replaced by leucine, an amino acid with dissimilar properties. This amino acid position is highly conserved in available vertebrate species. In addition, this alteration is predicted to be deleterious by in silico analysis. Since supporting evidence is limited at this time, the clinical significance of this alteration remains unclear.

Mendelics
Classification: Uncertain significance for Neurofibromatosis, type 1. Last evaluated: 2018-07-02. Review status: criteria provided, single submitter. Criteria: Mendelics Assertion Criteria 2017. Collection method: clinical testing. Allele origin: unknown.

Literature cited by the submitters: PubMed 22807134 (cited by Quest Diagnostics Nichols Institute San Juan Capistrano); PubMed 36251260 (cited by Quest Diagnostics Nichols Institute San Juan Capistrano); PubMed 35264596 (cited by Quest Diagnostics Nichols Institute San Juan Capistrano).